The following is an entry in ClinVar:

NM_016222.4(DDX41):c.1169T>C (p.Leu390Pro)

Gene: DDX41 (DEAD-box helicase 41; minus strand). Cytogenetic location: 5q35.3.
Variant type: single nucleotide variant.
Coding change: c.1169T>C on transcript NM_016222.4 (MANE Select); coding-DNA position 1169, T replaced by C.
Protein change: p.Leu390Pro; replaces leucine 390 with proline.
Molecular consequence: missense variant.
Genome position (GRCh38, 1-based): chr5:177,513,414, A>G on the plus strand (T>C on the coding strand, the complement: DDX41 is on the minus strand). VCF-style: chr5-177513414-A-G. GRCh37 (hg19) VCF-style: chr5-176940415-A-G.
Other names: c.791T>C, p.Leu264Pro (NM_001321732.2, NM_001321830.2); short protein forms L264P, L390P.
Identifiers: ClinVar variation 5035156 (VCV005035156.1).
Genomic context (GRCh38, chr5:177,513,414, plus strand): 5'-TGGATGACATCCAGGCTGGCAGCCCCAGCGCGCCCCACATTGATGGTCACAGGCTTTACA[A>G]GGGCACTCTTAGCAAAGTTCTGAATCTTCTTCGGCATGGTGGCACTGAAGAGCAGGGTCT-3'
Protein context (NP_057306.2, residues 380-400): KKIQNFAKSA[Leu390Pro]VKPVTINVGR

ClinVar aggregate classification (germline): Uncertain significance (1 of 4 stars; one submission).

Conditions:
Inborn genetic diseases. Identifiers: MedGen C0950123, MeSH D030342.

Submission:

Ambry Genetics
Classification: Uncertain significance for Inborn genetic diseases. Last evaluated: 2026-07-31. Review status: criteria provided, single submitter. Criteria: Ambry Variant Classification Scheme 2023. Collection method: clinical testing. Allele origin: germline.
Comment: The p.L390P variant (also known as c.1169T>C), located in coding exon 11 of the DDX41 gene, results from a T to C substitution at nucleotide position 1169. The leucine at codon 390 is replaced by proline, an amino acid with similar properties. This amino acid position is highly conserved in available vertebrate species. In addition, this alteration is predicted to be deleterious by in silico analysis. Based on the available evidence, the clinical significance of this variant remains unclear.